The following is an entry in ClinVar:

ClinVar aggregate classification (germline): Likely benign (1 of 4 stars; one submission).

gnomAD v4.1: 882 of 1,614,100 alleles (0.055%); highest among the groups gnomAD compares: Middle Eastern, 0.59%; 8 homozygotes.

Submission:

CeGaT Center for Human Genetics Tuebingen
Classification: Likely benign. Last evaluated: 2026-01-01. Review status: criteria provided, single submitter. Criteria: CeGaT Center For Human Genetics Tuebingen Variant Classification Criteria Version 2. Collection method: clinical testing. Allele origin: germline. Affected: yes. Observed: 1 variant allele.
Comment: ALG10B: BS1

NM_001013620.4(ALG10B):c.76G>C (p.Ala26Pro)

Genes: ALG10B (ALG10 alpha-1,2-glucosyltransferase B; plus strand), LOC126861501 (MED14-independent group 3 enhancer GRCh37_chr12:38709647-38710846; plus strand). Cytogenetic location: 12q12.
Variant type: single nucleotide variant.
Coding change: c.76G>C on transcript NM_001013620.4 (MANE Select); coding-DNA position 76, G replaced by C.
Protein change: p.Ala26Pro; replaces alanine 26 with proline.
Molecular consequence: missense variant.
Genome position (GRCh38, 1-based): chr12:38,316,969, G>C. VCF-style: chr12-38316969-G-C. GRCh37 (hg19) VCF-style: chr12-38710771-G-C.
Other names: c.76G>C, p.Ala26Pro (NM_001308340.2); short protein forms A26P.
Identifiers: ClinVar variation 4820915 (VCV004820915.4).